The following is an entry in ClinVar:

NM_004448.4(ERBB2):c.1746C>T (p.Asp582=)

Gene: ERBB2 (erb-b2 receptor tyrosine kinase 2; plus strand). Cytogenetic location: 17q12.
Variant type: single nucleotide variant.
Coding change: c.1746C>T on transcript NM_004448.4 (MANE Select); coding-DNA position 1746, C replaced by T.
Protein change: p.Asp582=; no amino-acid change (aspartic acid 582 retained).
Molecular consequence: synonymous variant. On other transcripts: non-coding transcript variant (1), intron variant (1).
Genome position (GRCh38, 1-based): chr17:39,717,328, C>T. VCF-style: chr17-39717328-C-T. GRCh37 (hg19) VCF-style: chr17-37873581-C-T.
Other names: c.1737C>T, p.Asp579= (NM_001382791.1); c.1746C>T, p.Asp582= (NM_001382792.1, NM_001382793.1, NM_001382794.1 and 9 more transcripts); c.1566C>T, p.Asp522= (NM_001382799.1); c.1776C>T, p.Asp592= (NM_001382788.1); c.1767C>T, p.Asp589= (NM_001382789.1); c.1743C>T, p.Asp581= (NM_001382790.1); c.1488C>T, p.Asp496= (NM_001382802.1); c.918C>T, p.Asp306= (NM_001382804.1); and 6 more.
Identifiers: ClinVar variation 1126287 (VCV001126287.11), dbSNP rs138893464, ClinGen allele CA8534108.

ClinVar aggregate classification (germline): Likely benign. Review status: criteria provided, multiple submitters, no conflicts (2 of 4 stars). 2 submissions from 2 submitters: Likely benign (2). Last evaluated 2026-04-01.

Allele frequency attached by ClinVar (database versions not stated): gnomAD 0.00031 and 0.00032; ExAC 0.00038; gnomAD exomes 0.00038; TOPMed 0.00043; ESP Exome Variant Server 0.00046.
gnomAD v4.1: 715 of 1,609,048 alleles (0.044%); highest among the groups gnomAD compares: Non-Finnish European, 0.052%; 1 homozygote.

Submissions (2):

CeGaT Center for Human Genetics Tuebingen
Classification: Likely benign. Last evaluated: 2026-04-01. Review status: criteria provided, single submitter. Criteria: CeGaT Center For Human Genetics Tuebingen Variant Classification Criteria Version 2. Collection method: clinical testing. Allele origin: germline. Affected: yes. Observed: 1 variant allele.
Comment: ERBB2: BP4, BP7

Labcorp Genetics (formerly Invitae), Labcorp
Classification: Likely benign. Last evaluated: 2025-10-14. Review status: criteria provided, single submitter. Criteria: Invitae Variant Classification Sherloc (09022015). Collection method: clinical testing. Allele origin: germline.